The following is an entry in ClinVar:

ClinVar aggregate classification (germline): Uncertain significance (1 of 4 stars; one submission).

Conditions:
Charcot-Marie-Tooth disease dominant intermediate B (CMTDIB). Also called: Charcot-Marie-Tooth disease dominant intermediate 1; CMT DI1; Charcot-Marie-Tooth disease dominant intermediate I; CHARCOT-MARIE-TOOTH NEUROPATHY, DOMINANT INTERMEDIATE B. Identifiers: Orphanet 100044, Orphanet 228179, MedGen C1847902, MONDO:0011674, OMIM 606482.

Submission:

Labcorp Genetics (formerly Invitae), Labcorp
Classification: Uncertain significance for Charcot-Marie-Tooth disease dominant intermediate B. Last evaluated: 2021-10-12. Review status: criteria provided, single submitter. Criteria: Invitae Variant Classification Sherloc (09022015). Collection method: clinical testing. Allele origin: germline.
Comment: This sequence change replaces glycine with serine at codon 230 of the DNM2 protein (p.Gly230Ser). The glycine residue is highly conserved and there is a small physicochemical difference between glycine and serine. This variant also falls at the last nucleotide of exon 5, which is part of the consensus splice site for this exon. This variant is not present in population databases (ExAC no frequency). This variant has not been reported in the literature in individuals affected with DNM2-related conditions. Algorithms developed to predict the effect of missense changes on protein structure and function (SIFT, PolyPhen-2, Align-GVGD) all suggest that this variant is likely to be disruptive. Variants that disrupt the consensus splice site are a relatively common cause of aberrant splicing (PMID: 17576681, 9536098). Algorithms developed to predict the effect of sequence changes on RNA splicing suggest that this variant may disrupt the consensus splice site. In summary, the available evidence is currently insufficient to determine the role of this variant in disease. Therefore, it has been classified as a Variant of Uncertain Significance.

Literature cited by the submitters: PubMed 17576681; PubMed 9536098.

NM_001005361.3(DNM2):c.688G>A (p.Gly230Ser)

Gene: DNM2 (dynamin 2; plus strand). Cytogenetic location: 19p13.2.
Variant type: single nucleotide variant.
Coding change: c.688G>A on transcript NM_001005361.3 (MANE Select); coding-DNA position 688, G replaced by A.
Protein change: p.Gly230Ser; replaces glycine 230 with serine.
Molecular consequence: missense variant.
Genome position (GRCh38, 1-based): chr19:10,777,216, G>A. VCF-style: chr19-10777216-G-A. GRCh37 (hg19) VCF-style: chr19-10887892-G-A.
Other names: c.688G>A, p.Gly230Ser (NM_001005360.3, NM_001005362.3, NM_001190716.2 and 1 more transcripts); short protein forms G230S.
Identifiers: ClinVar variation 1476170 (VCV001476170.6), dbSNP rs1245632083, ClinGen allele CA404043659.
Genomic context (GRCh38, chr19:10,777,216, plus strand): 5'-ATGGACGAGGGCACCGACGCCAGGGACGTCTTGGAGAACAAGTTGCTCCCGTTGAGAAGA[G>A]GTGTGGCTTTGGGGGTGCTGGGGAAGCAGGAGGATGGGTGGGGTCCTTATCATTACTGAA-3'
Protein context (NP_001005361.1, residues 220-240): LENKLLPLRR[Gly230Ser]YIGVVNRSQK